The following is an entry in ClinVar:

NM_005633.4(SOS1):c.1427G>C (p.Gly476Ala)

Gene: SOS1 (SOS Ras/Rac guanine nucleotide exchange factor 1; minus strand). Cytogenetic location: 2p22.1.
Variant type: single nucleotide variant.
Coding change: c.1427G>C on transcript NM_005633.4 (MANE Select); coding-DNA position 1427, G replaced by C.
Protein change: p.Gly476Ala; replaces glycine 476 with alanine.
Molecular consequence: missense variant.
Genome position (GRCh38, 1-based): chr2:39,023,001, C>G on the plus strand (G>C on the coding strand, the complement: SOS1 is on the minus strand). VCF-style: chr2-39023001-C-G. GRCh37 (hg19) VCF-style: chr2-39250142-C-G.
Other names: c.1406G>C, p.Gly469Ala (NM_001382394.1); c.1427G>C, p.Gly476Ala (NM_001382395.1); short protein forms G469A, G476A.
Identifiers: ClinVar variation 3643566 (VCV003643566.2).

ClinVar aggregate classification (germline): Uncertain significance (1 of 4 stars; one submission).

Conditions:
RASopathy. Also called: Noonan spectrum disorder; rasopathies. Identifiers: Orphanet 536391, MedGen C5555857, MONDO:0021060.

gnomAD v4.1: 2 of 1,613,734 alleles (0.00012%); highest among the groups gnomAD compares: Non-Finnish European, 0.00017%; no homozygotes.

Submission:

Labcorp Genetics (formerly Invitae), Labcorp
Classification: Uncertain significance for RASopathy. Last evaluated: 2024-02-27. Review status: criteria provided, single submitter. Criteria: Invitae Variant Classification Sherloc (09022015). Collection method: clinical testing. Allele origin: germline.
Comment: This sequence change replaces glycine, which is neutral and non-polar, with alanine, which is neutral and non-polar, at codon 476 of the SOS1 protein (p.Gly476Ala). This variant is present in population databases (no rsID available, gnomAD 0.0009%). This variant has not been reported in the literature in individuals affected with SOS1-related conditions. Advanced modeling of protein sequence and biophysical properties (such as structural, functional, and spatial information, amino acid conservation, physicochemical variation, residue mobility, and thermodynamic stability) performed at Invitae indicates that this missense variant is not expected to disrupt SOS1 protein function with a negative predictive value of 80%. In summary, the available evidence is currently insufficient to determine the role of this variant in disease. Therefore, it has been classified as a Variant of Uncertain Significance.